The following is an entry in ClinVar:

NM_022455.5(NSD1):c.5067C>T (p.Cys1689=)

Gene: NSD1 (nuclear receptor binding SET domain protein 1; plus strand). Cytogenetic location: 5q35.3.
Variant type: single nucleotide variant.
Coding change: c.5067C>T on transcript NM_022455.5 (MANE Select); coding-DNA position 5067, C replaced by T.
Protein change: p.Cys1689=; no amino-acid change (cysteine 1689 retained).
Molecular consequence: synonymous variant.
Genome position (GRCh38, 1-based): chr5:177,260,089, C>T. VCF-style: chr5-177260089-C-T. GRCh37 (hg19) VCF-style: chr5-176687090-C-T.
Other names: c.4194C>T, p.Cys1398= (NM_001365684.2, NM_001409308.1, NM_001409309.1 and 1 more transcripts); c.5067C>T, p.Cys1689= (NM_001409301.1, NM_001409302.1, NM_001409303.1); c.4647C>T, p.Cys1549= (NM_001409304.1); c.4314C>T, p.Cys1438= (NM_001409305.1); c.4305C>T, p.Cys1435= (NM_001409306.1, NM_001409307.1).
Identifiers: ClinVar variation 1143851 (VCV001143851.13), dbSNP rs1313604020, ClinGen allele CA447726362.

ClinVar aggregate classification (germline): Likely benign. Review status: criteria provided, multiple submitters, no conflicts (2 of 4 stars). 2 submissions from 2 submitters: Likely benign (2). Last evaluated 2026-03-01.

Allele frequency attached by ClinVar (database versions not stated): gnomAD 0.00001; gnomAD exomes 0.00001 and 0.00002.
gnomAD v4.1: 10 of 1,614,004 alleles (0.00062%); highest among the groups gnomAD compares: South Asian, 0.0088%; no homozygotes.

Submissions (2):

CeGaT Center for Human Genetics Tuebingen
Classification: Likely benign. Last evaluated: 2026-03-01. Review status: criteria provided, single submitter. Criteria: CeGaT Center For Human Genetics Tuebingen Variant Classification Criteria Version 2. Collection method: clinical testing. Allele origin: germline. Affected: yes. Observed: 1 variant allele.
Comment: NSD1: BP4, BP7

Labcorp Genetics (formerly Invitae), Labcorp
Classification: Likely benign. Last evaluated: 2023-01-02. Review status: criteria provided, single submitter. Criteria: Invitae Variant Classification Sherloc (09022015). Collection method: clinical testing. Allele origin: germline.